The following is an entry in ClinVar:

ClinVar aggregate classification (germline): Likely benign (1 of 4 stars; one submission).

Conditions:
Parkinson disease 17 (PARK17). Also called: VPS35-Related Parkinson Disease. Identifiers: Orphanet 411602, MedGen C3280133, MONDO:0013625, OMIM 614203.

Allele frequency attached by ClinVar (database versions not stated): gnomAD exomes 0.00017; 1000 Genomes Project 30x 0.00094; 1000 Genomes Project 0.00100; gnomAD 0.00267 and 0.00272.
gnomAD v4.1: 153 of 114,842 alleles (0.13%); highest among the groups gnomAD compares: Non-Finnish European, 0.02%; 1 homozygote.

Submission:

Illumina Laboratory Services, Illumina
Classification: Likely benign for Parkinson disease 17. Last evaluated: 2018-01-12. Review status: criteria provided, single submitter. Criteria: ICSL Variant Classification Criteria 13 December 2019. Collection method: clinical testing. Allele origin: germline.
Comment: This variant was observed in the ICSL laboratory as part of a predisposition screen in an ostensibly healthy population. It had not been previously curated by ICSL or reported in the Human Gene Mutation Database (HGMD: prior to June 1st, 2018), and was therefore a candidate for classification through an automated scoring system. Utilizing variant allele frequency, disease prevalence and penetrance estimates, and inheritance mode, an automated score was calculated to assess if this variant is too frequent to cause the disease. Based on the score and internal cut-off values, a variant classified as likely benign is not then subjected to further curation. The score for this variant resulted in a classification of likely benign for this disease.

NM_018206.6(VPS35):c.*289C>T

Gene: VPS35 (VPS35 retromer complex component; minus strand). Cytogenetic location: 16q11.2.
Variant type: single nucleotide variant.
Coding change: c.*289C>T on transcript NM_018206.6 (MANE Select); 289 bases downstream of the stop codon, C replaced by T.
Molecular consequence: 3 prime UTR variant.
Genome position (GRCh38, 1-based): chr16:46,660,183, G>A on the plus strand (C>T on the coding strand, the complement: VPS35 is on the minus strand). VCF-style: chr16-46660183-G-A. GRCh37 (hg19) VCF-style: chr16-46694095-G-A.
Identifiers: ClinVar variation 886611 (VCV000886611.4), dbSNP rs145606241, ClinGen allele CA280201050.